The following is an entry in ClinVar:

ClinVar aggregate classification (germline): Benign/Likely benign. Review status: criteria provided, multiple submitters, no conflicts (2 of 4 stars). 3 submissions from 3 submitters: Benign (1); Likely benign (2). Last evaluated 2026-08-17.

Conditions:
DICER1-related tumor predisposition. Also called: DICER1-related pleuropulmonary blastoma cancer predisposition syndrome; DICER1 syndrome. Identifiers: Orphanet 284343, MedGen C3839822, MONDO:0100216.
Hereditary cancer-predisposing syndrome. Also called: Neoplastic Syndromes, Hereditary; Tumor predisposition; Hereditary Cancer Syndrome; Hereditary neoplastic syndrome. Identifiers: Orphanet 140162, MedGen C0027672, MeSH D009386, MONDO:0015356.

Allele frequency attached by ClinVar (database versions not stated): TOPMed below 0.00001; gnomAD 0.00001.
gnomAD v4.1: 1 of 1,613,712 alleles (0.000062%); highest among the groups gnomAD compares: African/African-American, 0.0013%; no homozygotes.

Submissions (3):

Myriad Genetics, Inc.
Classification: Benign for DICER1-related tumor predisposition. Last evaluated: 2026-08-17. Review status: criteria provided, single submitter. Criteria: Myriad Autosomal Dominant, Autosomal Recessive and X-Linked Classification Criteria (2023). Collection method: clinical testing. Allele origin: unknown.
Comment: This variant is considered benign. This variant is a silent/synonymous amino acid change and it is not expected to impact splicing.

Ambry Genetics
Classification: Likely benign for Hereditary cancer-predisposing syndrome. Last evaluated: 2024-07-13. Review status: criteria provided, single submitter. Criteria: Ambry Variant Classification Scheme 2023. Collection method: clinical testing. Allele origin: germline.

Labcorp Genetics (formerly Invitae), Labcorp
Classification: Likely benign for DICER1-related tumor predisposition. Last evaluated: 2024-04-05. Review status: criteria provided, single submitter. Criteria: Invitae Variant Classification Sherloc (09022015). Collection method: clinical testing. Allele origin: germline.

NM_177438.3(DICER1):c.645T>C (p.Asp215=)

Gene: DICER1 (dicer 1, ribonuclease III; minus strand). Cytogenetic location: 14q32.13.
Variant type: single nucleotide variant.
Coding change: c.645T>C on transcript NM_177438.3 (MANE Select); coding-DNA position 645, T replaced by C.
Protein change: p.Asp215=; no amino-acid change (aspartic acid 215 retained).
Molecular consequence: synonymous variant. On other transcripts: 5 prime UTR variant (1), non-coding transcript variant (6).
Genome position (GRCh38, 1-based): chr14:95,129,561, A>G on the plus strand (T>C on the coding strand, the complement: DICER1 is on the minus strand). VCF-style: chr14-95129561-A-G. GRCh37 (hg19) VCF-style: chr14-95595898-A-G.
Other names: c.645T>C, p.Asp215= (NM_001195573.1, NM_001271282.3, NM_001291628.2 and 15 more transcripts); c.363T>C, p.Asp121= (NM_001395686.1); c.240T>C, p.Asp80= (NM_001395687.1, NM_001395688.1, NM_001395689.1 and 3 more transcripts); c.78T>C, p.Asp26= (NM_001395691.1); c.-924T>C (NM_001395697.1).
Identifiers: ClinVar variation 2169764 (VCV002169764.6), dbSNP rs1318209811, ClinGen allele CA487633833.